The following is an entry in ClinVar:

NM_170754.4(TNS2):c.232G>T (p.Ala78Ser)

Genes: TNS2-AS1 (TNS2 antisense RNA 1; minus strand), TNS2 (tensin 2; plus strand). Cytogenetic location: 12q13.13.
Variant type: single nucleotide variant.
Coding change: c.232G>T on transcript NM_170754.4 (MANE Select); coding-DNA position 232, G replaced by T.
Protein change: p.Ala78Ser; replaces alanine 78 with serine.
Molecular consequence: missense variant. On other transcripts: 5 prime UTR variant (1), non-coding transcript variant (1).
Genome position (GRCh38, 1-based): chr12:53,053,420, G>T. VCF-style: chr12-53053420-G-T. GRCh37 (hg19) VCF-style: chr12-53447204-G-T.
Other names: c.232G>T, p.Ala78Ser (NM_001416202.1, NM_001416204.1); c.163G>T, p.Ala55Ser (NM_001416203.1, NM_015319.3); c.-141G>T (NM_198316.2); short protein forms A78S, A88S, A55S.
Identifiers: ClinVar variation 2025832 (VCV002025832.4), dbSNP rs1479210542, ClinGen allele CA385002179.

ClinVar aggregate classification (germline): Uncertain significance (1 of 4 stars; one submission).

Submission:

Labcorp Genetics (formerly Invitae), Labcorp
Classification: Uncertain significance. Last evaluated: 2022-08-21. Review status: criteria provided, single submitter. Criteria: Invitae Variant Classification Sherloc (09022015). Collection method: clinical testing. Allele origin: germline.
Comment: This variant is not present in population databases (gnomAD no frequency). This sequence change replaces alanine, which is neutral and non-polar, with serine, which is neutral and polar, at codon 88 of the TNS2 protein (p.Ala88Ser). This variant has not been reported in the literature in individuals affected with TNS2-related conditions. In summary, the available evidence is currently insufficient to determine the role of this variant in disease. Therefore, it has been classified as a Variant of Uncertain Significance. Algorithms developed to predict the effect of missense changes on protein structure and function output the following: SIFT: "Tolerated"; PolyPhen-2: "Benign"; Align-GVGD: "Class C0". The serine amino acid residue is found in multiple mammalian species, which suggests that this missense change does not adversely affect protein function.